The following is an entry in ClinVar:

ClinVar aggregate classification (germline): Uncertain significance (1 of 4 stars; one submission).

Conditions:
Hereditary cancer-predisposing syndrome. Also called: Tumor predisposition; Neoplastic Syndromes, Hereditary; Hereditary neoplastic syndrome; Hereditary Cancer Syndrome. Identifiers: Orphanet 140162, MedGen C0027672, MeSH D009386, MONDO:0015356.

Submission:

Ambry Genetics
Classification: Uncertain significance for Hereditary cancer-predisposing syndrome. Last evaluated: 2024-06-30. Review status: criteria provided, single submitter. Criteria: Ambry Variant Classification Scheme 2023. Collection method: clinical testing. Allele origin: germline.
Comment: The p.C132S variant (also known as c.394T>A), located in coding exon 3 of the STK11 gene, results from a T to A substitution at nucleotide position 394. The cysteine at codon 132 is replaced by serine, an amino acid with dissimilar properties. This amino acid position is conserved. In addition, this alteration is predicted to be deleterious by in silico analysis. Based on the available evidence, the clinical significance of this variant remains unclear.

NM_000455.5(STK11):c.394T>A (p.Cys132Ser)

Gene: STK11 (serine/threonine kinase 11; plus strand). Cytogenetic location: 19p13.3.
Variant type: single nucleotide variant.
Coding change: c.394T>A on transcript NM_000455.5 (MANE Select); coding-DNA position 394, T replaced by A.
Protein change: p.Cys132Ser; replaces cysteine 132 with serine.
Molecular consequence: missense variant. On other transcripts: non-coding transcript variant (1).
Genome position (GRCh38, 1-based): chr19:1,219,343, T>A. VCF-style: chr19-1219343-T-A. GRCh37 (hg19) VCF-style: chr19-1219342-T-A.
Other names: c.394T>A, p.Cys132Ser (NM_001407255.1); short protein forms C132S.
Identifiers: ClinVar variation 3450552 (VCV003450552.1).